The following is an entry in ClinVar:

NM_001080467.3(MYO5B):c.1778A>G (p.His593Arg)

Gene: MYO5B (myosin VB; minus strand). Cytogenetic location: 18q21.1.
Variant type: single nucleotide variant.
Coding change: c.1778A>G on transcript NM_001080467.3 (MANE Select); coding-DNA position 1778, A replaced by G.
Protein change: p.His593Arg; replaces histidine 593 with arginine.
Molecular consequence: missense variant.
Genome position (GRCh38, 1-based): chr18:49,937,372, T>C on the plus strand (A>G on the coding strand, the complement: MYO5B is on the minus strand). VCF-style: chr18-49937372-T-C. GRCh37 (hg19) VCF-style: chr18-47463742-T-C.
Other names: short protein forms H593R.
Identifiers: ClinVar variation 1398977 (VCV001398977.5), dbSNP rs372264584, ClinGen allele CA8961379.

ClinVar aggregate classification (germline): Uncertain significance (1 of 4 stars; one submission).

Allele frequency attached by ClinVar (database versions not stated): gnomAD exomes below 0.00001 and 0.00001; ExAC 0.00001; gnomAD 0.00002; TOPMed 0.00003; ESP Exome Variant Server 0.00008.
gnomAD v4.1: 11 of 1,614,016 alleles (0.00068%); highest among the groups gnomAD compares: Non-Finnish European, 0.00093%; no homozygotes.

Submission:

Labcorp Genetics (formerly Invitae), Labcorp
Classification: Uncertain significance. Last evaluated: 2022-06-20. Review status: criteria provided, single submitter. Criteria: Invitae Variant Classification Sherloc (09022015). Collection method: clinical testing. Allele origin: germline.
Comment: This sequence change replaces histidine, which is basic and polar, with arginine, which is basic and polar, at codon 593 of the MYO5B protein (p.His593Arg). This variant is present in population databases (rs372264584, gnomAD 0.0009%). This variant has not been reported in the literature in individuals affected with MYO5B-related conditions. Algorithms developed to predict the effect of missense changes on protein structure and function output the following: SIFT: "Tolerated"; PolyPhen-2: "Benign"; Align-GVGD: "Class C0". The arginine amino acid residue is found in multiple mammalian species, which suggests that this missense change does not adversely affect protein function. In summary, the available evidence is currently insufficient to determine the role of this variant in disease. Therefore, it has been classified as a Variant of Uncertain Significance.